The following is an entry in ClinVar:

ClinVar aggregate classification (germline): Likely benign (1 of 4 stars; one submission).

Submission:

GeneDx
Classification: Likely benign. Last evaluated: 2017-08-03. Review status: criteria provided, single submitter. Criteria: GeneDx Variant Classification (06012015). Collection method: clinical testing. Allele origin: germline. Affected: yes.
Comment: This variant is considered likely benign or benign based on one or more of the following criteria: it is a conservative change, it occurs at a poorly conserved position in the protein, it is predicted to be benign by multiple in silico algorithms, and/or has population frequency not consistent with disease.

NM_177559.3(CSNK2A1):c.316-5C>T

Gene: CSNK2A1 (casein kinase 2 alpha 1; minus strand). Cytogenetic location: 20p13.
Variant type: single nucleotide variant.
Coding change: c.316-5C>T on transcript NM_177559.3 (MANE Select); 5 bases into the intron before coding-DNA position 316, C replaced by T.
Molecular consequence: intron variant.
Genome position (GRCh38, 1-based): chr20:499,310, G>A on the plus strand (C>T on the coding strand, the complement: CSNK2A1 is on the minus strand). VCF-style: chr20-499310-G-A. GRCh37 (hg19) VCF-style: chr20-479954-G-A.
Other names: c.-93-5C>T (NM_177560.3); c.316-5C>T (NM_001362771.2, NM_001895.4, NM_001362770.2).
Identifiers: ClinVar variation 511210 (VCV000511210.1), dbSNP rs1555763965, ClinGen allele CA658799317.